The following is an entry in ClinVar:

ClinVar aggregate classification (germline): Uncertain significance (1 of 4 stars; one submission).

Conditions:
Acyl-CoA oxidase deficiency. Also called: STRAIGHT-CHAIN ACYL-CoA OXIDASE DEFICIENCY; Pseudoneonatal adrenoleukodystrophy; Peroxisomal acyl-CoA oxidase deficiency. Identifiers: Orphanet 2971, MedGen C1849678, MONDO:0009919, OMIM 264470. Disease mechanism: loss of function.

gnomAD v4.1: 2 of 1,613,020 alleles (0.00012%); highest among the groups gnomAD compares: African/African-American, 0.0027%; no homozygotes.

Submission:

Labcorp Genetics (formerly Invitae), Labcorp
Classification: Uncertain significance for Acyl-CoA oxidase deficiency. Last evaluated: 2025-09-20. Review status: criteria provided, single submitter. Criteria: Invitae Variant Classification Sherloc (09022015). Collection method: clinical testing. Allele origin: germline.
Comment: This sequence change falls in intron 8 of the ACOX1 gene. It does not directly change the encoded amino acid sequence of the ACOX1 protein. This variant is present in population databases (rs756847030, gnomAD 0.007%). This variant has not been reported in the literature in individuals affected with ACOX1-related conditions. Algorithms developed to predict the effect of sequence changes on RNA splicing suggest that this variant may disrupt the consensus splice site. In summary, the available evidence is currently insufficient to determine the role of this variant in disease. Therefore, it has been classified as a Variant of Uncertain Significance.

NM_004035.7(ACOX1):c.1108-15T>A

Gene: ACOX1 (acyl-CoA oxidase 1; minus strand). Cytogenetic location: 17q25.1.
Variant type: single nucleotide variant.
Coding change: c.1108-15T>A on transcript NM_004035.7 (MANE Select); 15 bases into the intron before coding-DNA position 1108, T replaced by A.
Molecular consequence: intron variant.
Genome position (GRCh38, 1-based): chr17:75,950,979, A>T on the plus strand (T>A on the coding strand, the complement: ACOX1 is on the minus strand). VCF-style: chr17-75950979-A-T. GRCh37 (hg19) VCF-style: chr17-73947060-A-T.
Other names: c.1108-15T>A (NM_007292.6); c.994-15T>A (NM_001185039.2).
Identifiers: ClinVar variation 4776426 (VCV004776426.1).